The following is an entry in ClinVar:

ClinVar aggregate classification (germline): Likely pathogenic. Review status: criteria provided, multiple submitters, no conflicts (2 of 4 stars). 2 submissions from 2 submitters: Likely pathogenic (2). Last evaluated 2024-04-16.

Conditions:
Hypogonadotropic hypogonadism 3 with or without anosmia (HH3). Also called: PROKR2-Related GnRH Deficiency (Kallmann Syndrome 3); HYPOGONADOTROPIC HYPOGONADISM 3 WITH ANOSMIA. Identifiers: Orphanet 478, MedGen C3550478, MONDO:0009482, OMIM 244200.

Submissions (2):

Fulgent Genetics
Classification: Likely pathogenic for Hypogonadotropic hypogonadism 3 with or without anosmia. Last evaluated: 2024-04-16. Review status: criteria provided, single submitter. Criteria: ACMG Guidelines, 2015. Collection method: clinical testing. Allele origin: germline.

Department of Medical Genomics, Royal Prince Alfred Hospital
Classification: Likely pathogenic for Hypogonadotropic hypogonadism 3 with or without anosmia. Last evaluated: 2023-03-16. Review status: criteria provided, single submitter. Criteria: ACMG Guidelines, 2015. Collection method: clinical testing. Allele origin: unknown. Inheritance: Autosomal dominant inheritance. Affected: yes.
Comment: This novel variant has not been observed in control population database (gnomAD v2.1.1). This variant introduces a premature stop codon in the last exon of the PROKR2 gene, causing truncation of the PROKR2 protein, p.(Tyr316*). The variant transcript may not be subjected to nonsense mediated decay and is predicted to result in a truncated protein. Pathogenic missense and nonsense mutations 3’ to the variant detected in this patient have been reported to cause IHH/Kallmann Syndrome (PMID: 36843573). The truncated region is critical for protein function, with multiple downstream variants shown to have reduced or complete disruption of Gαq, Gαs and ERK1/2 pathways (PMID: 36694982). The current evidence classifies this variant as likely pathogenic (ACMG criteria: PVS1_strong, PS3_supporting, PM2_supporting). Family segregation studies would help to further determine the pathogenicity of this variant. Note that incomplete penetrance has been observed in IHH patients with heterozygous PROKR2 mutations.

Literature cited by the submitters: PubMed 36843573 (cited by Department of Medical Genomics, Royal Prince Alfred Hospital); PubMed 36694982 (cited by Department of Medical Genomics, Royal Prince Alfred Hospital).

NM_144773.4(PROKR2):c.948C>G (p.Tyr316Ter)

Gene: PROKR2 (prokineticin receptor 2; minus strand). Cytogenetic location: 20p12.3.
Variant type: single nucleotide variant.
Coding change: c.948C>G on transcript NM_144773.4 (MANE Select); coding-DNA position 948, C replaced by G.
Protein change: p.Tyr316Ter; replaces tyrosine 316 with a stop codon.
Molecular consequence: nonsense.
Genome position (GRCh38, 1-based): chr20:5,302,247, G>C on the plus strand (C>G on the coding strand, the complement: PROKR2 is on the minus strand). VCF-style: chr20-5302247-G-C. GRCh37 (hg19) VCF-style: chr20-5282893-G-C.
Other names: short protein forms Y316*.
Identifiers: ClinVar variation 2579639 (VCV002579639.2), dbSNP rs1979019949, ClinGen allele CA408166601.